The following is an entry in ClinVar:

NM_001558.4(IL10RA):c.1360G>A (p.Glu454Lys)

Gene: IL10RA (interleukin 10 receptor subunit alpha; plus strand). Cytogenetic location: 11q23.3.
Variant type: single nucleotide variant.
Coding change: c.1360G>A on transcript NM_001558.4 (MANE Select); coding-DNA position 1360, G replaced by A.
Protein change: p.Glu454Lys; replaces glutamic acid 454 with lysine.
Molecular consequence: missense variant. On other transcripts: non-coding transcript variant (1).
Genome position (GRCh38, 1-based): chr11:117,999,264, G>A. VCF-style: chr11-117999264-G-A. GRCh37 (hg19) VCF-style: chr11-117869979-G-A.
Other names: short protein forms E454K.
Identifiers: ClinVar variation 470619 (VCV000470619.14), dbSNP rs79887053, ClinGen allele CA6299176.

ClinVar aggregate classification (germline): Benign/Likely benign. Review status: criteria provided, multiple submitters, no conflicts (2 of 4 stars). 2 submissions from 2 submitters: Benign (1); Likely benign (1). Last evaluated 2026-01-24.

Conditions:
Inflammatory bowel disease 28. Also called: Inflammatory bowel disease 28, early onset, autosomal recessive. Identifiers: Orphanet 238569, MedGen C2751053, MONDO:0013153, OMIM 613148.

Allele frequency attached by ClinVar (database versions not stated): TOPMed 0.00006; gnomAD 0.00007 and 0.00022; gnomAD exomes 0.00022 and 0.00052; ExAC 0.00029; 1000 Genomes Project 30x 0.00125; 1000 Genomes Project 0.00160.
gnomAD v4.1: 766 of 1,614,274 alleles (0.047%); highest among the groups gnomAD compares: East Asian, 1.7%; 12 homozygotes.

Submissions (2):

Labcorp Genetics (formerly Invitae), Labcorp
Classification: Likely benign for Inflammatory bowel disease 28. Last evaluated: 2026-01-24. Review status: criteria provided, single submitter. Criteria: Invitae Variant Classification Sherloc (09022015). Collection method: clinical testing. Allele origin: germline.

Illumina Laboratory Services, Illumina
Classification: Benign for Inflammatory bowel disease 28. Last evaluated: 2017-04-27. Review status: criteria provided, single submitter. Criteria: ICSL Variant Classification Criteria 13 December 2019. Collection method: clinical testing. Allele origin: germline.
Comment: This variant was observed as part of a predisposition screen in an ostensibly healthy population. A literature search was performed for the gene, cDNA change, and amino acid change (where applicable). No publications were found based on this search. Allele frequency data from public databases was too high to be consistent with this variant causing disease. Therefore, this variant is classified as benign.